The following is an entry in ClinVar:

ClinVar aggregate classification (germline): Uncertain significance (1 of 4 stars; one submission).

Allele frequency attached by ClinVar (database versions not stated): gnomAD exomes 0.00001 and 0.00002; ExAC 0.00002; TOPMed 0.00005; ESP Exome Variant Server 0.00008; gnomAD 0.00009.
gnomAD v4.1: 22 of 1,611,784 alleles (0.0014%); highest among the groups gnomAD compares: African/African-American, 0.02%; no homozygotes.

Submission:

Laboratory for Molecular Medicine, Mass General Brigham Personalized Medicine
Classification: Uncertain significance. Last evaluated: 2015-10-22. Review status: criteria provided, single submitter. Criteria: LMM Criteria. Collection method: clinical testing. Allele origin: germline. Observed: 1 variant allele.
Comment: The p.Glu4368Gly variant in TTN has not been previously reported in individuals with cardiomyopathy, but has been identified in 2/11470 of Latino chromosomes by the Exome Aggregation Consortium (ExAC; rs14580 3192). Computational prediction tools and conservation analysis are limited or u navailable for this variant. In summary, the clinical significance of the p.Glu4 368Gly variant is uncertain.

NM_133379.5(TTN):c.13103A>G (p.Glu4368Gly)

Gene: TTN (titin; minus strand). Cytogenetic location: 2q31.2.
Variant type: single nucleotide variant.
Coding change: c.13103A>G on transcript NM_133379.5; coding-DNA position 13103, A replaced by G.
Protein change: p.Glu4368Gly; replaces glutamic acid 4368 with glycine.
Molecular consequence: missense variant. On other transcripts: intron variant (6).
Genome position (GRCh38, 1-based): chr2:178,749,297, T>C on the plus strand (A>G on the coding strand, the complement: TTN is on the minus strand). VCF-style: chr2-178749297-T-C. GRCh37 (hg19) VCF-style: chr2-179614024-T-C.
Other names: c.10222+3827A>G (NM_003319.4); c.10798+3827A>G (NM_133437.4); c.10597+3827A>G (NM_133432.3); c.10360+3827A>G (NM_133378.4, NM_001256850.1); c.11311+3827A>G (NM_001267550.2); short protein forms E4368G.
Identifiers: ClinVar variation 229582 (VCV000229582.5), dbSNP rs145803192, ClinGen allele CA2003455.